The following is an entry in ClinVar:

NM_001375524.1(TRRAP):c.6391C>G (p.Arg2131Gly)

Gene: TRRAP (transformation/transcription domain associated protein; plus strand). Cytogenetic location: 7q22.1.
Variant type: single nucleotide variant.
Coding change: c.6391C>G on transcript NM_001375524.1 (MANE Select); coding-DNA position 6391, C replaced by G.
Protein change: p.Arg2131Gly; replaces arginine 2131 with glycine.
Molecular consequence: missense variant.
Genome position (GRCh38, 1-based): chr7:98,959,392, C>G. VCF-style: chr7-98959392-C-G. GRCh37 (hg19) VCF-style: chr7-98557015-C-G.
Other names: c.6370C>G, p.Arg2124Gly (NM_001244580.2); c.6316C>G, p.Arg2106Gly (NM_003496.4); short protein forms R2106G, R2131G, R2124G.
Identifiers: ClinVar variation 3715821 (VCV003715821.2).

ClinVar aggregate classification (germline): Uncertain significance (1 of 4 stars; one submission).

gnomAD v4.1: 1 of 1,614,140 alleles (0.000062%); highest among the groups gnomAD compares: African/African-American, 0.0013%; no homozygotes.

Submission:

Labcorp Genetics (formerly Invitae), Labcorp
Classification: Uncertain significance. Last evaluated: 2024-02-10. Review status: criteria provided, single submitter. Criteria: Invitae Variant Classification Sherloc (09022015). Collection method: clinical testing. Allele origin: germline.
Comment: This sequence change replaces arginine, which is basic and polar, with glycine, which is neutral and non-polar, at codon 2106 of the TRRAP protein (p.Arg2106Gly). This variant is not present in population databases (gnomAD no frequency). This variant has not been reported in the literature in individuals affected with TRRAP-related conditions. Advanced modeling of protein sequence and biophysical properties (such as structural, functional, and spatial information, amino acid conservation, physicochemical variation, residue mobility, and thermodynamic stability) performed at Invitae indicates that this missense variant is expected to disrupt TRRAP protein function with a positive predictive value of 80%. In summary, the available evidence is currently insufficient to determine the role of this variant in disease. Therefore, it has been classified as a Variant of Uncertain Significance.